The following is an entry in ClinVar:

NM_173651.4(FSIP2):c.2219G>A (p.Arg740His)

Genes: FSIP2 (fibrous sheath interacting protein 2; plus strand), FSIP2-AS1 (FSIP2 antisense RNA 1; minus strand). Cytogenetic location: 2q32.1.
Variant type: single nucleotide variant.
Coding change: c.2219G>A on transcript NM_173651.4 (MANE Select); coding-DNA position 2219, G replaced by A.
Protein change: p.Arg740His; replaces arginine 740 with histidine.
Molecular consequence: missense variant.
Genome position (GRCh38, 1-based): chr2:185,789,355, G>A. VCF-style: chr2-185789355-G-A. GRCh37 (hg19) VCF-style: chr2-186654082-G-A.
Other names: c.2219G>A (NM_173651.3); short protein forms R740H.
Identifiers: ClinVar variation 2590621 (VCV002590621.5), dbSNP rs79400482, ClinGen allele CA2016569.
Genomic context (GRCh38, chr2:185,789,355, plus strand): 5'-CCCAGGCCATTCCCTCTCTCTCTTCTGTTACTGCTGAAGTTTTTGTTGAACAATGTGAAC[G>A]TGAAAAAGAAATCTTGCTTTCCAATGCTCATATTCCCTCAGTTGCTTCTGAGATTGTGGA-3'
Protein context (NP_775922.3, residues 730-750): TAEVFVEQCE[Arg740His]EKEILLSNAH

ClinVar aggregate classification (germline): Uncertain significance. Review status: criteria provided, single submitter (1 of 4 stars). 2 submissions from 2 submitters: Uncertain significance (1). 1 of the submissions does not count toward it. Last evaluated 2025-08-30.

Conditions:
FSIP2-related disorder. Also called: FSIP2-related condition.

Allele frequency attached by ClinVar (database versions not stated): gnomAD 0.00078; TOPMed 0.00085; gnomAD exomes 0.00087; 1000 Genomes Project 30x 0.00156; 1000 Genomes Project 0.00160; ExAC 0.00176.
gnomAD v4.1: 1,321 of 1,534,950 alleles (0.086%); highest among the groups gnomAD compares: South Asian, 0.26%; 3 homozygotes.

Submissions (2):

Ambry Genetics
Classification: Uncertain significance. Last evaluated: 2025-08-30. Review status: criteria provided, single submitter. Criteria: Ambry Variant Classification Scheme 2023. Collection method: clinical testing. Allele origin: germline.

PreventionGenetics, part of Exact Sciences
Classification: Likely benign for FSIP2-related condition. Last evaluated: 2021-03-16. Review status: no assertion criteria provided. Collection method: clinical testing. Allele origin: germline. Not counted in ClinVar's aggregate classification.
Comment: This variant is classified as likely benign based on ACMG/AMP sequence variant interpretation guidelines (Richards et al. 2015 PMID: 25741868, with internal and published modifications).